The following is an entry in ClinVar:

NM_021930.6(RINT1):c.1950G>A (p.Pro650=)

Genes: EFCAB10 (EF-hand calcium binding domain 10; minus strand), RINT1 (RAD50 interactor 1; plus strand). Cytogenetic location: 7q22.3.
Variant type: single nucleotide variant.
Coding change: c.1950G>A on transcript NM_021930.6 (MANE Select); coding-DNA position 1950, G replaced by A.
Protein change: p.Pro650=; no amino-acid change (proline 650 retained).
Molecular consequence: synonymous variant. On other transcripts: 3 prime UTR variant (3), non-coding transcript variant (1).
Genome position (GRCh38, 1-based): chr7:105,565,340, G>A. VCF-style: chr7-105565340-G-A. GRCh37 (hg19) VCF-style: chr7-105205787-G-A.
Other names: c.1950G>A (NM_021930.5); c.*107C>T (NM_001355526.2); c.*209C>T (NM_001355530.2); c.*62C>T (NM_001355531.2); c.1716G>A, p.Pro572= (NM_001346599.2); c.927G>A, p.Pro309= (NM_001346600.2, NM_001346603.2); c.1026G>A, p.Pro342= (NM_001346601.2).
Identifiers: ClinVar variation 706211 (VCV000706211.12), dbSNP rs147409665, ClinGen allele CA4426819.

ClinVar aggregate classification (germline): Likely benign. Review status: criteria provided, multiple submitters, no conflicts (2 of 4 stars). 3 submissions from 3 submitters: Likely benign (3). Last evaluated 2026-04-24.

Conditions:
RINT1-related disorder. Also called: RINT1-related condition.

Allele frequency attached by ClinVar (database versions not stated): TOPMed 0.00002; gnomAD 0.00003; ESP Exome Variant Server 0.00008.
gnomAD v4.1: 15 of 1,614,084 alleles (0.00093%); highest among the groups gnomAD compares: African/African-American, 0.011%; no homozygotes.

Submissions (3):

PreventionGenetics, part of Exact Sciences
Classification: Likely benign for RINT1-related condition. Last evaluated: 2026-04-24. Review status: criteria provided, single submitter. Criteria: ACMG Guidelines, 2015. Collection method: clinical testing. Allele origin: germline.
Comment: This variant is classified as likely benign based on ACMG/AMP sequence variant interpretation guidelines (Richards et al. 2015 PMID: 25741868, with internal and published modifications).

Labcorp Genetics (formerly Invitae), Labcorp
Classification: Likely benign. Last evaluated: 2022-10-03. Review status: criteria provided, single submitter. Criteria: Invitae Variant Classification Sherloc (09022015). Collection method: clinical testing. Allele origin: germline.

Ambry Genetics
Classification: Likely benign. Last evaluated: 2021-02-11. Review status: criteria provided, single submitter. Criteria: Ambry Variant Classification Scheme 2023. Collection method: clinical testing. Allele origin: germline.